The following is an entry in ClinVar:

NM_000426.4(LAMA2):c.7888C>T (p.Arg2630Ter)

Gene: LAMA2 (laminin subunit alpha 2; plus strand). Cytogenetic location: 6q22.33.
Variant type: single nucleotide variant.
Coding change: c.7888C>T on transcript NM_000426.4 (MANE Select); coding-DNA position 7888, C replaced by T.
Protein change: p.Arg2630Ter; replaces arginine 2630 with a stop codon.
Molecular consequence: nonsense.
Genome position (GRCh38, 1-based): chr6:129,486,612, C>T. VCF-style: chr6-129486612-C-T. GRCh37 (hg19) VCF-style: chr6-129807757-C-T.
Other names: c.7876C>T, p.Arg2626Ter (NM_001079823.2); short protein forms R2630*, R2626*.
Identifiers: ClinVar variation 162579 (VCV000162579.20), dbSNP rs727502851, ClinGen allele CA295401.

ClinVar aggregate classification (germline): Pathogenic/Likely pathogenic. Review status: criteria provided, multiple submitters, no conflicts (2 of 4 stars). 6 submissions from 6 submitters: Pathogenic (4); Likely pathogenic (1). 1 of the submissions does not count toward it. Last evaluated 2024-02-05.

Conditions:
LAMA2-related disorder. Also called: LAMA2-related condition; LAMA2-related disorders.
LAMA2-related muscular dystrophy (LAMA2-RD). Also called: Laminin alpha 2-related dystrophy. Identifiers: MedGen C5679788, MONDO:0100228.
Merosin deficient congenital muscular dystrophy (MDC1A). Also called: Congenital merosin-deficient muscular dystrophy 1A; Congenital Muscular Dystrophy Type 1A (MDC1A). Identifiers: Orphanet 258, MedGen C1263858, MONDO:0011925, OMIM 607855.

Allele frequency attached by ClinVar (database versions not stated): gnomAD exomes below 0.00001; ExAC 0.00001; TOPMed 0.00001.
gnomAD v4.1: 15 of 1,613,378 alleles (0.00093%); highest among the groups gnomAD compares: African/African-American, 0.0013%; no homozygotes.

Submissions (6):

Baylor Genetics
Classification: Pathogenic for Merosin deficient congenital muscular dystrophy. Last evaluated: 2024-02-05. Review status: criteria provided, single submitter. Criteria: ACMG Guidelines, 2015. Collection method: clinical testing. Allele origin: unknown.

Labcorp Genetics (formerly Invitae), Labcorp
Classification: Pathogenic for LAMA2-related muscular dystrophy. Last evaluated: 2023-11-11. Review status: criteria provided, single submitter. Criteria: Invitae Variant Classification Sherloc (09022015). Collection method: clinical testing. Allele origin: germline.
Comment: This sequence change creates a premature translational stop signal (p.Arg2630*) in the LAMA2 gene. It is expected to result in an absent or disrupted protein product. Loss-of-function variants in LAMA2 are known to be pathogenic (PMID: 18700894, 32904964). This variant is present in population databases (rs727502851, gnomAD 0.004%). This premature translational stop signal has been observed in individual(s) with clinical features of LAMA2-related conditions (PMID: 21520333). ClinVar contains an entry for this variant (Variation ID: 162579). Algorithms developed to predict the effect of sequence changes on RNA splicing suggest that this variant may disrupt the consensus splice site. For these reasons, this variant has been classified as Pathogenic.

Blueprint Genetics
Classification: Likely pathogenic for LAMA2-related disorders. Last evaluated: 2023-08-10. Review status: criteria provided, single submitter. Criteria: ACMG Guidelines, 2015. Collection method: clinical testing. Allele origin: germline. Affected: yes. Observed: 2 variant alleles.

Revvity Omics, Revvity
Classification: Pathogenic. Last evaluated: 2020-10-21. Review status: criteria provided, single submitter. Criteria: ACMG Guidelines, 2015. Collection method: clinical testing. Allele origin: germline.

Department of Genetics, Sultan Qaboos University Hospital
Classification: Pathogenic for Merosin deficient congenital muscular dystrophy. Last evaluated: 2017-12-30. Review status: criteria provided, single submitter. Criteria: ACMG Guidelines, 2015. Collection method: curation. Allele origin: unknown. Affected: yes.

Counsyl
Classification: Likely pathogenic for Merosin deficient congenital muscular dystrophy. Last evaluated: 2017-08-10. Review status: no assertion criteria provided. Collection method: clinical testing. Allele origin: unknown. Not counted in ClinVar's aggregate classification.

Literature cited by the submitters: PubMed 18700894 (cited by Labcorp Genetics (formerly Invitae), Labcorp); PubMed 32904964 (cited by Labcorp Genetics (formerly Invitae), Labcorp); PubMed 21520333 (cited by Labcorp Genetics (formerly Invitae), Labcorp).